The following is an entry in ClinVar:

ClinVar aggregate classification (germline): Likely benign (1 of 4 stars; one submission).

Submission:

CeGaT Center for Human Genetics Tuebingen
Classification: Likely benign. Last evaluated: 2023-01-01. Review status: criteria provided, single submitter. Criteria: CeGaT Center For Human Genetics Tuebingen Variant Classification Criteria Version 2. Collection method: clinical testing. Allele origin: germline. Affected: yes. Observed: 1 variant allele.
Comment: MED12: PM2:Supporting, BP4, BP7

NM_005120.3(MED12):c.5769A>G (p.Gly1923=)

Gene: MED12 (mediator complex subunit 12; plus strand). Cytogenetic location: Xq13.1.
Variant type: single nucleotide variant.
Coding change: c.5769A>G on transcript NM_005120.3 (MANE Select); coding-DNA position 5769, A replaced by G.
Protein change: p.Gly1923=; no amino-acid change (glycine 1923 retained).
Molecular consequence: synonymous variant.
Genome position (GRCh38, 1-based): chrX:71,137,578, A>G. VCF-style: chrX-71137578-A-G. GRCh37 (hg19) VCF-style: chrX-70357428-A-G.
Identifiers: ClinVar variation 2660852 (VCV002660852.24), dbSNP rs2519714848, ClinGen allele CA516819889.